The following is an entry in ClinVar:

ClinVar aggregate classification (germline): Uncertain significance (1 of 4 stars; one submission).

Allele frequency attached by ClinVar (database versions not stated): gnomAD exomes below 0.00001.
gnomAD v4.1: 1 of 1,607,392 alleles (0.000062%); highest among the groups gnomAD compares: Non-Finnish European, 0.000085%; no homozygotes.

Submission:

Labcorp Genetics (formerly Invitae), Labcorp
Classification: Uncertain significance. Last evaluated: 2022-08-10. Review status: criteria provided, single submitter. Criteria: Invitae Variant Classification Sherloc (09022015). Collection method: clinical testing. Allele origin: germline.
Comment: In summary, the available evidence is currently insufficient to determine the role of this variant in disease. Therefore, it has been classified as a Variant of Uncertain Significance. Variants that disrupt the consensus splice site are a relatively common cause of aberrant splicing (PMID: 17576681, 9536098). Algorithms developed to predict the effect of sequence changes on RNA splicing suggest that this variant is not likely to affect RNA splicing. This variant has not been reported in the literature in individuals affected with LRPPRC-related conditions. This variant is not present in population databases (gnomAD no frequency). This sequence change falls in intron 8 of the LRPPRC gene. It does not directly change the encoded amino acid sequence of the LRPPRC protein. It affects a nucleotide within the consensus splice site.

Literature cited by the submitters: PubMed 17576681; PubMed 9536098.

NM_133259.4(LRPPRC):c.1010-3C>T

Gene: LRPPRC (leucine rich pentatricopeptide repeat containing; minus strand). Cytogenetic location: 2p21.
Variant type: single nucleotide variant.
Coding change: c.1010-3C>T on transcript NM_133259.4 (MANE Select); 3 bases into the intron before coding-DNA position 1010, C replaced by T.
Molecular consequence: intron variant.
Genome position (GRCh38, 1-based): chr2:43,974,298, G>A on the plus strand (C>T on the coding strand, the complement: LRPPRC is on the minus strand). VCF-style: chr2-43974298-G-A. GRCh37 (hg19) VCF-style: chr2-44201437-G-A.
Identifiers: ClinVar variation 1991187 (VCV001991187.4), dbSNP rs2466663552, ClinGen allele CA2580066916.
Genomic context (GRCh38, chr2:43,974,298, plus strand): 5'-TGCAACGCTACATCTTCCAATTTTTCAGTGACTAAAAGTAAAATGAGGTTCATTGCATCT[G>A]GGAAGAAAACAAAGACATCTTTTGTTAATAAACTGAACAATATTTTTACACTGCAACCAA-3'